The following is an entry in ClinVar:

NM_013386.5(SLC25A24):c.614G>C (p.Gly205Ala)

Gene: SLC25A24 (solute carrier family 25 member 24; minus strand). Cytogenetic location: 1p13.3.
Variant type: single nucleotide variant.
Coding change: c.614G>C on transcript NM_013386.5 (MANE Select); coding-DNA position 614, G replaced by C.
Protein change: p.Gly205Ala; replaces glycine 205 with alanine.
Molecular consequence: missense variant.
Genome position (GRCh38, 1-based): chr1:108,157,517, C>G on the plus strand (G>C on the coding strand, the complement: SLC25A24 is on the minus strand). VCF-style: chr1-108157517-C-G. GRCh37 (hg19) VCF-style: chr1-108700139-C-G.
Other names: c.557G>C, p.Gly186Ala (NM_213651.3); short protein forms G186A, G205A.
Identifiers: ClinVar variation 5005593 (VCV005005593.2).

ClinVar aggregate classification (germline): Uncertain significance (1 of 4 stars; one submission).

Conditions:
Fontaine progeroid syndrome. Also called: Gorlin-Chaudhry-Moss syndrome; Progeroid syndrome congenital Petty type; Petty Laxova Wiedemann syndrome; SLC25A24 Fontaine Progeroid Syndrome; CRANIOFACIAL DYSOSTOSIS, HYPERTRICHOSIS, HYPOPLASIA OF LABIA MAJORA, DENTAL AND EYE ANOMALIES, PATENT DUCTUS ARTERIOSUS, AND NORMAL INTELLIGENCE; Craniofacial dysostosis, patent ductus arteriosus, hypertrichosis, hypoplasia of labia majora, dental and eye anomalies. Identifiers: Orphanet 2095, MedGen C2676780, MONDO:0012853, OMIM 612289.

Submission:

Juno Genomics, Hangzhou Juno Genomics, Inc
Classification: Uncertain significance for Fontaine progeroid syndrome. Review status: criteria provided, single submitter. Criteria: ACMG Guidelines, 2015. Collection method: clinical testing. Allele origin: germline.
Comment: Absent from controls (or at extremely low frequency if recessive) in Genome Aggregation Database.;Multiple lines of computational evidence support a deleterious effect on the gene or gene product.